The following is an entry in ClinVar:

ClinVar aggregate classification (germline): Likely pathogenic. Review status: criteria provided, multiple submitters, no conflicts (2 of 4 stars). 2 submissions from 2 submitters: Likely pathogenic (2). Last evaluated 2023-01-12.

Conditions:
Muscular dystrophy-dystroglycanopathy (congenital with brain and eye anomalies), type a, 11 (MDDGA11). Also called: Muscular dystrophy-dystroglycanopathy (congenital with brain and eye anomalies, type A, 11; WALKER-WARBURG SYNDROME OR MUSCLE-EYE-BRAIN DISEASE, B3GALNT2-RELATED; Congenital muscular dystrophy-dystroglycanopathy with brain and eye anomalies, type A11. Identifiers: Orphanet 588, Orphanet 899, MedGen C3554638, MONDO:0014071, OMIM 615181.

gnomAD v4.1: 1 of 1,600,466 alleles (0.000062%); no homozygotes.

Submissions (2):

Department of Pathology and Laboratory Medicine, Sinai Health System
Classification: Likely pathogenic for Muscular dystrophy-dystroglycanopathy (congenital with brain and eye anomalies), type a, 11. Last evaluated: 2023-01-12. Review status: criteria provided, single submitter. Criteria: ACMG Guidelines, 2015. Collection method: research. Allele origin: germline.

Labcorp Genetics (formerly Invitae), Labcorp
Classification: Likely pathogenic for Muscular dystrophy-dystroglycanopathy (congenital with brain and eye anomalies), type a, 11. Last evaluated: 2021-12-03. Review status: criteria provided, single submitter. Criteria: Invitae Variant Classification Sherloc (09022015). Collection method: clinical testing. Allele origin: germline.
Comment: Algorithms developed to predict the effect of sequence changes on RNA splicing suggest that this variant may disrupt the consensus splice site. In summary, the currently available evidence indicates that the variant is pathogenic, but additional data are needed to prove that conclusively. Therefore, this variant has been classified as Likely Pathogenic. This variant is also known as c.236-1G>C. Disruption of this splice site has been observed in individual(s) with clinical features of B3GALNT2-related disease (PMID: 31428121). This variant is not present in population databases (gnomAD no frequency). This sequence change affects an acceptor splice site in intron 1 of the B3GALNT2 gene. It is expected to disrupt RNA splicing. Variants that disrupt the donor or acceptor splice site typically lead to a loss of protein function (PMID: 16199547), and loss-of-function variants in B3GALNT2 are known to be pathogenic (PMID: 23453667).

Literature cited by the submitters: PubMed 31428121 (cited by Labcorp Genetics (formerly Invitae), Labcorp); PubMed 16199547 (cited by Labcorp Genetics (formerly Invitae), Labcorp); PubMed 23453667 (cited by Labcorp Genetics (formerly Invitae), Labcorp).

NM_152490.5(B3GALNT2):c.113-1G>C

Gene: B3GALNT2 (beta-1,3-N-acetylgalactosaminyltransferase 2; minus strand). Cytogenetic location: 1q42.3.
Variant type: single nucleotide variant.
Coding change: c.113-1G>C on transcript NM_152490.5 (MANE Select); the canonical splice acceptor site of the intron before coding-DNA position 113, G replaced by C.
Molecular consequence: splice acceptor variant.
Genome position (GRCh38, 1-based): chr1:235,494,829, C>G on the plus strand (G>C on the coding strand, the complement: B3GALNT2 is on the minus strand). VCF-style: chr1-235494829-C-G. GRCh37 (hg19) VCF-style: chr1-235658139-C-G.
Other names: c.236-1G>C (NM_001277155.3).
Identifiers: ClinVar variation 1513293 (VCV001513293.9), dbSNP rs2102863392, ClinGen allele CA344931980.